The following is an entry in ClinVar:

ClinVar aggregate classification (germline): Uncertain significance. Review status: criteria provided, single submitter (1 of 4 stars). 2 submissions from 2 submitters: Uncertain significance (1). 1 of the submissions does not count toward it. Last evaluated 2024-10-21.

Conditions:
MEPE-related disorder. Also called: MEPE-related condition.

Submissions (2):

Ambry Genetics
Classification: Uncertain significance. Last evaluated: 2024-10-21. Review status: criteria provided, single submitter. Criteria: Ambry Variant Classification Scheme 2023. Collection method: clinical testing. Allele origin: germline.

PreventionGenetics, part of Exact Sciences
Classification: Uncertain significance for MEPE-related condition. Last evaluated: 2024-03-11. Review status: no assertion criteria provided. Collection method: clinical testing. Allele origin: germline. Not counted in ClinVar's aggregate classification.
Comment: The MEPE c.791C>T variant is predicted to result in the amino acid substitution p.Pro264Leu. To our knowledge, this variant has not been reported in the literature. This variant is reported in 0.044% of alleles in individuals of African descent in gnomAD. At this time, the clinical significance of this variant is uncertain due to the absence of conclusive functional and genetic evidence.

NM_020203.6(MEPE):c.698C>T (p.Pro233Leu)

Genes: MEPE (matrix extracellular phosphoglycoprotein; plus strand), MEPE-AS1 (MEPE and IBSP antisense RNA 1; minus strand). Cytogenetic location: 4q22.1.
Variant type: single nucleotide variant.
Coding change: c.698C>T on transcript NM_020203.6 (MANE Select); coding-DNA position 698, C replaced by T.
Protein change: p.Pro233Leu; replaces proline 233 with leucine.
Molecular consequence: missense variant.
Genome position (GRCh38, 1-based): chr4:87,845,566, C>T. VCF-style: chr4-87845566-C-T. GRCh37 (hg19) VCF-style: chr4-88766718-C-T.
Other names: c.698C>T (NM_001184694.1); c.698C>T, p.Pro233Leu (NM_001184694.3); c.359C>T, p.Pro120Leu (NM_001184695.4, NM_001184696.2, NM_001184697.2); c.791C>T, p.Pro264Leu (NM_001291183.2); short protein forms P120L, P233L, P264L.
Identifiers: ClinVar variation 3351736 (VCV003351736.2).
Genomic context (GRCh38, chr4:87,845,566, plus strand): 5'-CCCATCGTATTCAACACAACATTGACTACCTAAAACATCTCTCAAAAGTCAAAAAAATCC[C>T]CAGTGATTTTGAAGGCAGCGGTTATACAGATCTTCAAGAGAGAGGGGACAATGATATATC-3'
Protein context (NP_064588.1, residues 223-243): LKHLSKVKKI[Pro233Leu]SDFEGSGYTD